The following is an entry in ClinVar:

ClinVar aggregate classification (germline): Uncertain significance (1 of 4 stars; one submission).

Allele frequency attached by ClinVar (database versions not stated): TOPMed below 0.00001; gnomAD 0.00003; gnomAD exomes 0.00007 and 0.00012; ExAC 0.00015.
gnomAD v4.1: 104 of 1,614,040 alleles (0.0064%); highest among the groups gnomAD compares: South Asian, 0.11%; no homozygotes.

Submission:

Labcorp Genetics (formerly Invitae), Labcorp
Classification: Uncertain significance. Last evaluated: 2025-11-12. Review status: criteria provided, single submitter. Criteria: Invitae Variant Classification Sherloc (09022015). Collection method: clinical testing. Allele origin: germline.
Comment: This sequence change replaces tyrosine, which is neutral and polar, with serine, which is neutral and polar, at codon 1021 of the ERBIN protein (p.Tyr1021Ser). This variant is present in population databases (rs755214630, gnomAD 0.1%), and has an allele count higher than expected for a pathogenic variant. This variant has not been reported in the literature in individuals affected with ERBIN-related conditions. ClinVar contains an entry for this variant (Variation ID: 1447449). An algorithm developed to predict the effect of missense changes on protein structure and function (PolyPhen-2) suggests that this variant is likely to be tolerated. In summary, the available evidence is currently insufficient to determine the role of this variant in disease. Therefore, it has been classified as a Variant of Uncertain Significance.

NM_001253697.2(ERBIN):c.3062A>C (p.Tyr1021Ser)

Gene: ERBIN (erbb2 interacting protein; plus strand). Cytogenetic location: 5q12.3.
Variant type: single nucleotide variant.
Coding change: c.3062A>C on transcript NM_001253697.2 (MANE Select); coding-DNA position 3062, A replaced by C.
Protein change: p.Tyr1021Ser; replaces tyrosine 1021 with serine.
Molecular consequence: missense variant.
Genome position (GRCh38, 1-based): chr5:66,054,380, A>C. VCF-style: chr5-66054380-A-C. GRCh37 (hg19) VCF-style: chr5-65350208-A-C.
Other names: c.3062A>C, p.Tyr1021Ser (NM_001006600.3, NM_001253698.2, NM_001253699.2 and 1 more transcripts); c.3050A>C, p.Tyr1017Ser (NM_001253701.2); short protein forms Y1017S, Y1021S.
Identifiers: ClinVar variation 1447449 (VCV001447449.6), dbSNP rs755214630, ClinGen allele CA3286582.